The following is an entry in ClinVar:

NM_006949.4(STXBP2):c.169+10C>T

Gene: STXBP2 (syntaxin binding protein 2; plus strand). Cytogenetic location: 19p13.2.
Variant type: single nucleotide variant.
Coding change: c.169+10C>T on transcript NM_006949.4 (MANE Select); 10 bases into the intron after coding-DNA position 169, C replaced by T.
Molecular consequence: intron variant.
Genome position (GRCh38, 1-based): chr19:7,639,110, C>T. VCF-style: chr19-7639110-C-T. GRCh37 (hg19) VCF-style: chr19-7703996-C-T.
Other names: p.?; c.169+10C>T (NM_001272034.2, NM_001127396.3).
Identifiers: ClinVar variation 750304 (VCV000750304.9), dbSNP rs187240521, ClinGen allele CA9143143.

ClinVar aggregate classification (germline): Likely benign. Review status: criteria provided, multiple submitters, no conflicts (2 of 4 stars). 2 submissions from 2 submitters: Likely benign (2). Last evaluated 2025-06-17.

Conditions:
Familial hemophagocytic lymphohistiocytosis 5. Also called: STXBP2-Related Familial Hemophagocytic Lymphohistiocytosis (STXBP2-fHLH). Identifiers: Orphanet 540, MedGen C2751293, MONDO:0013135, OMIM 613101.

Allele frequency attached by ClinVar (database versions not stated): ExAC 0.00003; 1000 Genomes Project 30x 0.00031; 1000 Genomes Project 0.00040.
gnomAD v4.1: 10 of 1,613,962 alleles (0.00062%); highest among the groups gnomAD compares: Admixed American, 0.0083%; no homozygotes.

Submissions (2):

Mayo Clinic Laboratories, Mayo Clinic
Classification: Likely benign. Last evaluated: 2025-06-17. Review status: criteria provided, single submitter. Criteria: ACMG Guidelines, 2015. Collection method: clinical testing. Allele origin: germline. Observed: 1 variant allele.
Comment: BP4, BP7

Labcorp Genetics (formerly Invitae), Labcorp
Classification: Likely benign for Familial hemophagocytic lymphohistiocytosis 5. Last evaluated: 2025-03-10. Review status: criteria provided, single submitter. Criteria: Invitae Variant Classification Sherloc (09022015). Collection method: clinical testing. Allele origin: germline.